The following is an entry in ClinVar:

NM_130839.5(UBE3A):c.171T>A (p.Phe57Leu)

Genes: SNHG14 (small nucleolar RNA host gene 14; plus strand), UBE3A (ubiquitin protein ligase E3A; minus strand). Cytogenetic location: 15q11.2.
Variant type: single nucleotide variant.
Coding change: c.171T>A on transcript NM_130839.5 (MANE Select); coding-DNA position 171, T replaced by A.
Protein change: p.Phe57Leu; replaces phenylalanine 57 with leucine.
Molecular consequence: missense variant. On other transcripts: 5 prime UTR variant (1), non-coding transcript variant (1).
Genome position (GRCh38, 1-based): chr15:25,375,655, A>T on the plus strand (T>A on the coding strand, the complement: UBE3A is on the minus strand). VCF-style: chr15-25375655-A-T. GRCh37 (hg19) VCF-style: chr15-25620802-A-T.
Other names: c.180T>A, p.Phe60Leu (NM_000462.5); c.171T>A, p.Phe57Leu (NM_001354505.1, NM_001354538.2, NM_001354545.2 and 1 more transcripts); c.111T>A, p.Phe37Leu (NM_001354506.2, NM_001354507.2, NM_001354508.2 and 18 more transcripts); c.-7T>A (NM_001354546.2); short protein forms F37L, F57L, F60L.
Identifiers: ClinVar variation 1377213 (VCV001377213.6), dbSNP rs2081083253, ClinGen allele CA391356476.

ClinVar aggregate classification (germline): Uncertain significance (1 of 4 stars; one submission).

Conditions:
Angelman syndrome (AS). Also called: HAPPY PUPPET SYNDROME. Identifiers: Orphanet 72, MedGen C0162635, MONDO:0007113, OMIM 105830. Disease mechanism: loss of function. Inheritance: AS is caused by disruption of maternally imprinted UBE3A located within the 15q11.2-q13 Angelman syndrome/Prader-Willi syndrome (AS/PWS) region., imprinting disorder.

Submission:

Labcorp Genetics (formerly Invitae), Labcorp
Classification: Uncertain significance for Angelman syndrome. Last evaluated: 2023-05-22. Review status: criteria provided, single submitter. Criteria: Invitae Variant Classification Sherloc (09022015). Collection method: clinical testing. Allele origin: germline.
Comment: This sequence change replaces phenylalanine, which is neutral and non-polar, with leucine, which is neutral and non-polar, at codon 37 of the UBE3A protein (p.Phe37Leu). This variant is not present in population databases (gnomAD no frequency). This variant has not been reported in the literature in individuals affected with UBE3A-related conditions. ClinVar contains an entry for this variant (Variation ID: 1377213). Advanced modeling of protein sequence and biophysical properties (such as structural, functional, and spatial information, amino acid conservation, physicochemical variation, residue mobility, and thermodynamic stability) has been performed at Invitae for this missense variant, however the output from this modeling did not meet the statistical confidence thresholds required to predict the impact of this variant on UBE3A protein function. In summary, the available evidence is currently insufficient to determine the role of this variant in disease. Therefore, it has been classified as a Variant of Uncertain Significance.